The following is an entry in ClinVar:

NM_001206927.2(DNAH8):c.10608del (p.Ala3537fs)

Genes: DNAH8 (dynein axonemal heavy chain 8; plus strand), DNAH8-AS1 (DNAH8 antisense RNA 1; minus strand). Cytogenetic location: 6p21.2.
Variant type: Deletion.
Coding change: c.10608del on transcript NM_001206927.2 (MANE Select); coding-DNA position 10608, one base deleted (A; older notation c.10608delA).
Protein change: p.Ala3537fs; shifts the reading frame from alanine 3537.
Molecular consequence: frameshift variant.
Genome position (GRCh38, 1-based): chr6:38,921,452, A deleted; the last of 2 consecutive A bases (chr6:38,921,451-38,921,452); deleting either gives the same sequence. VCF-style (leftmost placement, unchanged base first): chr6-38921450-CA-C. GRCh37 (hg19) VCF-style: chr6-38889226-CA-C.
Other names: c.9957del, p.Ala3320fs (NM_001371.4); short protein forms A3320fs, A3537fs.
Identifiers: ClinVar variation 3664564 (VCV003664564.2).
Genomic context (GRCh38, chr6:38,921,450, plus strand): 5'-GGCCGGTTAGCAGTTGCTAATGCTGAGTTAGGGAAGGCACAAGCCCTGCTGGATGAGAAG[CA>C]AGCTGAGCTGGATAAAGTACAGGCAAAATTTGATGCAGCAATGAATGAGAAAATGGTGAG-3'

ClinVar aggregate classification (germline): Pathogenic (1 of 4 stars; one submission).

Conditions:
Primary ciliary dyskinesia. Also called: Ciliary dyskinesia. Identifiers: Orphanet 244, MedGen C0008780, MONDO:0016575, HP:0012265.

Submission:

Labcorp Genetics (formerly Invitae), Labcorp
Classification: Pathogenic for Primary ciliary dyskinesia. Last evaluated: 2024-09-15. Review status: criteria provided, single submitter. Criteria: Invitae Variant Classification Sherloc (09022015). Collection method: clinical testing. Allele origin: germline.
Comment: This sequence change creates a premature translational stop signal (p.Ala3537Leufs*14) in the DNAH8 gene. It is expected to result in an absent or disrupted protein product. Loss-of-function variants in DNAH8 are known to be pathogenic (PMID: 24307375, 32619401, 32681648). This variant is not present in population databases (gnomAD no frequency). This variant has not been reported in the literature in individuals affected with DNAH8-related conditions. For these reasons, this variant has been classified as Pathogenic.

Literature cited by the submitters: PubMed 24307375; PubMed 32619401; PubMed 32681648.